The following is an entry in ClinVar:

ClinVar aggregate classification (germline): Uncertain significance (1 of 4 stars; one submission).

Conditions:
Cardiovascular phenotype. Identifiers: MedGen CN230736.

Submission:

Ambry Genetics
Classification: Uncertain significance for Cardiovascular phenotype. Last evaluated: 2025-04-20. Review status: criteria provided, single submitter. Criteria: Ambry Variant Classification Scheme 2023. Collection method: clinical testing. Allele origin: germline.
Comment: The p.E48V variant (also known as c.143A>T), located in coding exon 2 of the JAG1 gene, results from an A to T substitution at nucleotide position 143. The glutamic acid at codon 48 is replaced by valine, an amino acid with dissimilar properties. This amino acid position is conserved. In addition, the in silico prediction for this alteration is inconclusive. Based on the available evidence, the clinical significance of this variant remains unclear.

NM_000214.3(JAG1):c.143A>T (p.Glu48Val)

Gene: JAG1 (jagged canonical Notch ligand 1; minus strand). Cytogenetic location: 20p12.2.
Variant type: single nucleotide variant.
Coding change: c.143A>T on transcript NM_000214.3 (MANE Select); coding-DNA position 143, A replaced by T.
Protein change: p.Glu48Val; replaces glutamic acid 48 with valine.
Molecular consequence: missense variant.
Genome position (GRCh38, 1-based): chr20:10,672,945, T>A on the plus strand (A>T on the coding strand, the complement: JAG1 is on the minus strand). VCF-style: chr20-10672945-T-A. GRCh37 (hg19) VCF-style: chr20-10653593-T-A.
Other names: short protein forms E48V.
Identifiers: ClinVar variation 4040688 (VCV004040688.1).